The following is an entry in ClinVar:

ClinVar aggregate classification (germline): Pathogenic (1 of 4 stars; one submission).

Submission:

Labcorp Genetics (formerly Invitae), Labcorp
Classification: Pathogenic. Last evaluated: 2022-05-22. Review status: criteria provided, single submitter. Criteria: Invitae Variant Classification Sherloc (09022015). Collection method: clinical testing. Allele origin: germline.
Comment: This variant has not been reported in the literature in individuals affected with ERCC8-related conditions. For these reasons, this variant has been classified as Pathogenic. This variant is a gross deletion of the genomic region encompassing exon(s) 1-4 of the ERCC8 gene, which includes the initiator codon. This deletion extends beyond the assayed region for this gene and therefore may encompass additional genes. It is expected to result in an absent or disrupted protein product. Loss-of-function variants in ERCC8 are known to be pathogenic (PMID: 29572252).

Literature cited by the submitters: PubMed 29572252.

NC_000005.9:g.(?_60214082)_(60241219_?)del

Genes: ERCC8 (ERCC excision repair 8, CSA ubiquitin ligase complex subunit; minus strand), NDUFAF2 (NADH:ubiquinone oxidoreductase complex assembly factor 2; plus strand). Cytogenetic location: 5q12.1.
Variant type: Deletion.
Identifiers: ClinVar variation 2422318 (VCV002422318.4).